The following is an entry in ClinVar:

NM_004364.5(CEBPA):c.193A>G (p.Ser65Gly)

Gene: CEBPA (CCAAT enhancer binding protein alpha; minus strand). Cytogenetic location: 19q13.11.
Variant type: single nucleotide variant.
Coding change: c.193A>G on transcript NM_004364.5 (MANE Select); coding-DNA position 193, A replaced by G.
Protein change: p.Ser65Gly; replaces serine 65 with glycine.
Molecular consequence: missense variant. On other transcripts: 5 prime UTR variant (1).
Genome position (GRCh38, 1-based): chr19:33,302,222, T>C on the plus strand (A>G on the coding strand, the complement: CEBPA is on the minus strand). VCF-style: chr19-33302222-T-C. GRCh37 (hg19) VCF-style: chr19-33793128-T-C.
Other names: c.-165A>G (NM_001285829.2); c.298A>G, p.Ser100Gly (NM_001287424.2); c.151A>G, p.Ser51Gly (NM_001287435.2); short protein forms S65G, S100G, S51G.
Identifiers: ClinVar variation 4824860 (VCV004824860.1).

ClinVar aggregate classification (germline): Uncertain significance (1 of 4 stars; one submission).

Conditions:
Inborn genetic diseases. Identifiers: MedGen C0950123, MeSH D030342.

Submission:

Ambry Genetics
Classification: Uncertain significance for Inborn genetic diseases. Last evaluated: 2026-02-04. Review status: criteria provided, single submitter. Criteria: Ambry Variant Classification Scheme 2023. Collection method: clinical testing. Allele origin: germline.
Comment: The p.S65G variant (also known as c.193A>G), located in coding exon 1 of the CEBPA gene, results from an A to G substitution at nucleotide position 193. The serine at codon 65 is replaced by glycine, an amino acid with similar properties. This amino acid position is well conserved in available vertebrate species. In addition, the in silico prediction for this alteration is inconclusive. Based on the available evidence, the clinical significance of this variant remains unclear.